The following is an entry in ClinVar:

ClinVar aggregate classification (germline): Uncertain significance. Review status: criteria provided, multiple submitters, no conflicts (2 of 4 stars). 2 submissions from 2 submitters: Uncertain significance (2). Last evaluated 2025-07-15.

Conditions:
Cardiovascular phenotype. Identifiers: MedGen CN230736.

Allele frequency attached by ClinVar (database versions not stated): gnomAD exomes 0.00001; TOPMed 0.00001.
gnomAD v4.1: 5 of 1,550,018 alleles (0.00032%); highest among the groups gnomAD compares: Admixed American, 0.0098%; no homozygotes.

Submissions (2):

Labcorp Genetics (formerly Invitae), Labcorp
Classification: Uncertain significance. Last evaluated: 2025-07-15. Review status: criteria provided, single submitter. Criteria: Invitae Variant Classification Sherloc (09022015). Collection method: clinical testing. Allele origin: germline.
Comment: This sequence change replaces alanine, which is neutral and non-polar, with valine, which is neutral and non-polar, at codon 175 of the ZNF469 protein (p.Ala175Val). This variant is present in population databases (no rsID available, gnomAD 0.02%). This variant has not been reported in the literature in individuals affected with ZNF469-related conditions. ClinVar contains an entry for this variant (Variation ID: 1746343). An algorithm developed to predict the effect of missense changes on protein structure and function (PolyPhen-2) suggests that this variant is likely to be tolerated. In summary, the available evidence is currently insufficient to determine the role of this variant in disease. Therefore, it has been classified as a Variant of Uncertain Significance.

Ambry Genetics
Classification: Uncertain significance for Cardiovascular phenotype. Last evaluated: 2024-11-05. Review status: criteria provided, single submitter. Criteria: Ambry Variant Classification Scheme 2023. Collection method: clinical testing. Allele origin: germline.
Comment: The p.A175V variant (also known as c.524C>T), located in coding exon 1 of the ZNF469 gene, results from a C to T substitution at nucleotide position 524. The alanine at codon 175 is replaced by valine, an amino acid with similar properties. This amino acid position is conserved. In addition, this alteration is predicted to be tolerated by in silico analysis. Since supporting evidence is limited at this time, the clinical significance of this alteration remains unclear.

NM_001367624.2(ZNF469):c.524C>T (p.Ala175Val)

Gene: ZNF469 (zinc finger protein 469; plus strand). Cytogenetic location: 16q24.2.
Variant type: single nucleotide variant.
Coding change: c.524C>T on transcript NM_001367624.2 (MANE Select); coding-DNA position 524, C replaced by T.
Protein change: p.Ala175Val; replaces alanine 175 with valine.
Molecular consequence: missense variant.
Genome position (GRCh38, 1-based): chr16:88,427,994, C>T. VCF-style: chr16-88427994-C-T. GRCh37 (hg19) VCF-style: chr16-88494402-C-T.
Other names: NM_001127464.1:c.524C>T; short protein forms A175V.
Identifiers: ClinVar variation 1746343 (VCV001746343.4), dbSNP rs1183367319, ClinGen allele CA397060463.